The following is an entry in ClinVar:

NM_000388.4(CASR):c.3044C>T (p.Pro1015Leu)

Gene: CASR (calcium sensing receptor; plus strand). Cytogenetic location: 3q21.1.
Variant type: single nucleotide variant.
Coding change: c.3044C>T on transcript NM_000388.4 (MANE Select); coding-DNA position 3044, C replaced by T.
Protein change: p.Pro1015Leu; replaces proline 1015 with leucine.
Molecular consequence: missense variant.
Genome position (GRCh38, 1-based): chr3:122,284,998, C>T. VCF-style: chr3-122284998-C-T. GRCh37 (hg19) VCF-style: chr3-122003845-C-T.
Other names: c.3074C>T, p.Pro1025Leu (NM_001178065.2); short protein forms P1015L, P1025L.
Identifiers: ClinVar variation 2447010 (VCV002447010.2), dbSNP rs766569230, ClinGen allele CA2569921.

ClinVar aggregate classification (germline): Uncertain significance (1 of 4 stars; one submission).

Conditions:
Nephrolithiasis/nephrocalcinosis. Identifiers: MedGen CN580796.

Allele frequency attached by ClinVar (database versions not stated): gnomAD exomes below 0.00001; TOPMed below 0.00001; ExAC 0.00001.
gnomAD v4.1: 1 of 1,614,208 alleles (0.000062%); highest among the groups gnomAD compares: Non-Finnish European, 0.000085%; no homozygotes.

Submission:

Ambry Genetics
Classification: Uncertain significance for Nephrolithiasis/nephrocalcinosis. Last evaluated: 2022-12-05. Review status: criteria provided, single submitter. Criteria: Ambry Variant Classification Scheme 2023. Collection method: clinical testing. Allele origin: germline.
Comment: The p.P1015L variant (also known as c.3044C>T), located in coding exon 6 of the CASR gene, results from a C to T substitution at nucleotide position 3044. The proline at codon 1015 is replaced by leucine, an amino acid with similar properties. This amino acid position is conserved. In addition, the in silico prediction for this alteration is inconclusive. Since supporting evidence is limited at this time, the clinical significance of this alteration remains unclear.